The following is an entry in ClinVar:

NM_003477.3(PDHX):c.776T>A (p.Val259Glu)

Gene: PDHX (pyruvate dehydrogenase complex component X; plus strand). Cytogenetic location: 11p13.
Variant type: single nucleotide variant.
Coding change: c.776T>A on transcript NM_003477.3 (MANE Select); coding-DNA position 776, T replaced by A.
Protein change: p.Val259Glu; replaces valine 259 with glutamic acid.
Molecular consequence: missense variant. On other transcripts: intron variant (1).
Genome position (GRCh38, 1-based): chr11:34,966,774, T>A. VCF-style: chr11-34966774-T-A. GRCh37 (hg19) VCF-style: chr11-34988321-T-A.
Other names: c.776T>A (NM_003477.2); c.596T>A, p.Val199Glu (NM_001135024.2); c.343-17796T>A (NM_001166158.2); short protein forms V199E, V259E.
Identifiers: ClinVar variation 1974672 (VCV001974672.6), dbSNP rs1855142694, ClinGen allele CA380120769.
Genomic context (GRCh38, chr11:34,966,774, plus strand): 5'-CCACTCCCACAGCACCTTCGCCCCTACAGGCCACAGCTGGACCATCTTATCCCCGGCCTG[T>A]GATCCCACCAGTATCAACTCCTGGACAACCCAATGCAGTGGTAGTGTTCTCTAAGTGGAT-3'
Protein context (NP_003468.2, residues 249-269): ATAGPSYPRP[Val259Glu]IPPVSTPGQP

ClinVar aggregate classification (germline): Uncertain significance. Review status: criteria provided, multiple submitters, no conflicts (2 of 4 stars). 2 submissions from 2 submitters: Uncertain significance (2). Last evaluated 2025-11-07.

Conditions:
Inborn genetic diseases. Identifiers: MedGen C0950123, MeSH D030342.

Allele frequency attached by ClinVar (database versions not stated): gnomAD exomes below 0.00001; TOPMed 0.00001.
gnomAD v4.1: 2 of 1,614,140 alleles (0.00012%); highest among the groups gnomAD compares: Admixed American, 0.0017%; no homozygotes.

Submissions (2):

Ambry Genetics
Classification: Uncertain significance for Inborn genetic diseases. Last evaluated: 2025-11-07. Review status: criteria provided, single submitter. Criteria: Ambry Variant Classification Scheme 2023. Collection method: clinical testing. Allele origin: germline.

Labcorp Genetics (formerly Invitae), Labcorp
Classification: Uncertain significance. Last evaluated: 2024-10-22. Review status: criteria provided, single submitter. Criteria: Invitae Variant Classification Sherloc (09022015). Collection method: clinical testing. Allele origin: germline.
Comment: This sequence change replaces valine, which is neutral and non-polar, with glutamic acid, which is acidic and polar, at codon 259 of the PDHX protein (p.Val259Glu). This variant is not present in population databases (gnomAD no frequency). This variant has not been reported in the literature in individuals affected with PDHX-related conditions. ClinVar contains an entry for this variant (Variation ID: 1974672). An algorithm developed to predict the effect of missense changes on protein structure and function (PolyPhen-2) suggests that this variant is likely to be tolerated. In summary, the available evidence is currently insufficient to determine the role of this variant in disease. Therefore, it has been classified as a Variant of Uncertain Significance.